The following is an entry in ClinVar:

NM_031443.4(CCM2):c.556G>A (p.Ala186Thr)

Gene: CCM2 (CCM2 scaffold protein; plus strand). Cytogenetic location: 7p13.
Variant type: single nucleotide variant.
Coding change: c.556G>A on transcript NM_031443.4 (MANE Select); coding-DNA position 556, G replaced by A.
Protein change: p.Ala186Thr; replaces alanine 186 with threonine.
Molecular consequence: missense variant. On other transcripts: non-coding transcript variant (1), intron variant (1).
Genome position (GRCh38, 1-based): chr7:45,068,526, G>A. VCF-style: chr7-45068526-G-A. GRCh37 (hg19) VCF-style: chr7-45108125-G-A.
Other names: c.556G>A (NM_031443.3); c.619G>A, p.Ala207Thr (NM_001029835.2); c.382G>A, p.Ala128Thr (NM_001167934.2, NM_001363459.2); c.556G>A, p.Ala186Thr (NM_001363458.2); c.472+3880G>A (NM_001167935.2); short protein forms A128T, A186T, A207T.
Identifiers: ClinVar variation 1400213 (VCV001400213.7), dbSNP rs758091168, ClinGen allele CA4247026.
Genomic context (GRCh38, chr7:45,068,526, plus strand): 5'-AGCCAGAGTCTGTGTGCGGAAAGTTCCAGAGGCCTCAGTGCAGGCTCCCTGTCGGAGAGT[G>A]CAGTTGGGCCCGTGGAGGCATGCTGCCTGGTCATCCTGGCTGCAGAGAGCAAGGTGAGAC-3'
Protein context (NP_113631.1, residues 176-196): GLSAGSLSES[Ala186Thr]VGPVEACCLV

ClinVar aggregate classification (germline): Uncertain significance. Review status: criteria provided, multiple submitters, no conflicts (2 of 4 stars). 2 submissions from 2 submitters: Uncertain significance (2). Last evaluated 2025-02-24.

Conditions:
Inborn genetic diseases. Identifiers: MedGen C0950123, MeSH D030342.
Cerebral cavernous malformation 2. Also called: Familial Cerebral Cavernous Malformation 2. Identifiers: Orphanet 221061, MedGen C1864041, MONDO:0011304, OMIM 603284.

Allele frequency attached by ClinVar (database versions not stated): gnomAD exomes 0.00001 and 0.00002; ExAC 0.00002.
gnomAD v4.1: 4 of 1,614,134 alleles (0.00025%); highest among the groups gnomAD compares: Admixed American, 0.0067%; no homozygotes.

Submissions (2):

Labcorp Genetics (formerly Invitae), Labcorp
Classification: Uncertain significance for Cerebral cavernous malformation 2. Last evaluated: 2025-02-24. Review status: criteria provided, single submitter. Criteria: Invitae Variant Classification Sherloc (09022015). Collection method: clinical testing. Allele origin: germline.
Comment: This sequence change replaces alanine, which is neutral and non-polar, with threonine, which is neutral and polar, at codon 186 of the CCM2 protein (p.Ala186Thr). This variant is present in population databases (rs758091168, gnomAD 0.01%). This variant has not been reported in the literature in individuals affected with CCM2-related conditions. ClinVar contains an entry for this variant (Variation ID: 1400213). Invitae Evidence Modeling of protein sequence and biophysical properties (such as structural, functional, and spatial information, amino acid conservation, physicochemical variation, residue mobility, and thermodynamic stability) indicates that this missense variant is not expected to disrupt CCM2 protein function with a negative predictive value of 80%. In summary, the available evidence is currently insufficient to determine the role of this variant in disease. Therefore, it has been classified as a Variant of Uncertain Significance.

Ambry Genetics
Classification: Uncertain significance for Inborn genetic diseases. Last evaluated: 2023-11-26. Review status: criteria provided, single submitter. Criteria: Ambry Variant Classification Scheme 2023. Collection method: clinical testing. Allele origin: germline.
Comment: The p.A186T variant (also known as c.556G>A), located in coding exon 5 of the CCM2 gene, results from a G to A substitution at nucleotide position 556. The alanine at codon 186 is replaced by threonine, an amino acid with similar properties. This amino acid position is conserved. In addition, this alteration is predicted to be tolerated by in silico analysis. Since supporting evidence is limited at this time, the clinical significance of this alteration remains unclear.